The following is an entry in ClinVar:

NM_000016.6(ACADM):c.30+4A>G

Gene: ACADM (acyl-CoA dehydrogenase medium chain; plus strand). Cytogenetic location: 1p31.1.
Variant type: single nucleotide variant.
Coding change: c.30+4A>G on transcript NM_000016.6 (MANE Select); 4 bases into the intron after coding-DNA position 30, A replaced by G.
Molecular consequence: intron variant.
Genome position (GRCh38, 1-based): chr1:75,724,821, A>G. VCF-style: chr1-75724821-A-G. GRCh37 (hg19) VCF-style: chr1-76190506-A-G.
Other names: c.30+4A>G (NM_001127328.3, NM_001286043.2, NM_000016.5); c.10+4A>G (NM_001286042.2); c.-268+4A>G (NM_001286044.2).
Identifiers: ClinVar variation 1469362 (VCV001469362.7), dbSNP rs774531501, ClinGen allele CA912898.

ClinVar aggregate classification (germline): Likely pathogenic. Review status: criteria provided, multiple submitters, no conflicts (2 of 4 stars). 2 submissions from 2 submitters: Likely pathogenic (2). Last evaluated 2025-10-19.

Conditions:
Medium-chain acyl-coenzyme A dehydrogenase deficiency (ACADMD). Also called: ACADM DEFICIENCY; CARNITINE DEFICIENCY SECONDARY TO MEDIUM-CHAIN ACYL-CoA DEHYDROGENASE DEFICIENCY; MCADD; Medium chain acyl-CoA dehydrogenase deficiency; MCAD Deficiency; MCADH DEFICIENCY. Identifiers: Orphanet 42, MedGen C0220710, MONDO:0008721, OMIM 201450.

Allele frequency attached by ClinVar (database versions not stated): gnomAD exomes below 0.00001 and 0.00001; ExAC 0.00001.
gnomAD v4.1: 6 of 1,493,828 alleles (0.0004%); highest among the groups gnomAD compares: Admixed American, 0.0022%; no homozygotes.

Submissions (2):

Natera, Inc.
Classification: Likely pathogenic for Medium Chain Acyl-CoA Dehydrogenase Deficiency. Last evaluated: 2025-10-19. Review status: criteria provided, single submitter. Criteria: Natera Variant Classification Schema (03/2026). Collection method: clinical testing. Allele origin: germline.
Comment: The c.30+4A>G variant in ACADM is an intronic variant located outside the canonical splice sites. This variant is rare in the general population with a frequency below the threshold expected for the associated phenotype(s). This variant has been observed in one or more individuals affected with the associated recessive disease, as either homozygous or compound heterozygous with a second variant (PMID: 22542437). This variant has been identified in one or more affected individual with a phenotype highly consistent with the associated gene (PMID: 22542437). Computational prediction algorithms indicate this variant is likely to affect gene or protein function. Given the available evidence, this variant is classified as Likely Pathogenic.

Labcorp Genetics (formerly Invitae), Labcorp
Classification: Likely pathogenic for Medium-chain acyl-coenzyme A dehydrogenase deficiency. Last evaluated: 2021-11-27. Review status: criteria provided, single submitter. Criteria: Invitae Variant Classification Sherloc (09022015). Collection method: clinical testing. Allele origin: germline.
Comment: This variant has been observed in individual(s) with medium-chain acyl-coenzyme A dehydrogenase deficiency (PMID: 22542437). In at least one individual the data is consistent with being in trans (on the opposite chromosome) from a pathogenic variant. The frequency data for this variant in the population databases is considered unreliable, as metrics indicate poor data quality at this position in the gnomAD database. This sequence change falls in intron 1 of the ACADM gene. It does not directly change the encoded amino acid sequence of the ACADM protein. It affects a nucleotide within the consensus splice site. Variants that disrupt the consensus splice site are a relatively common cause of aberrant splicing (PMID: 17576681, 9536098). Algorithms developed to predict the effect of sequence changes on RNA splicing suggest that this variant may disrupt the consensus splice site. In summary, the currently available evidence indicates that the variant is pathogenic, but additional data are needed to prove that conclusively. Therefore, this variant has been classified as Likely Pathogenic.

Literature cited by the submitters: PubMed 22542437 (cited by Natera, Inc. and Labcorp Genetics (formerly Invitae), Labcorp); PubMed 17576681 (cited by Labcorp Genetics (formerly Invitae), Labcorp); PubMed 9536098 (cited by Labcorp Genetics (formerly Invitae), Labcorp).